The following is an entry in ClinVar:

ClinVar aggregate classification (germline): Uncertain significance (1 of 4 stars; one submission).

Conditions:
Early-infantile DEE. Also called: Early infantile epileptic encephalopathy; Ohtahara syndrome; Early infantile epileptic encephalopathy with suppression bursts. Identifiers: Orphanet 1934, MedGen C0393706, MONDO:0800491.

Allele frequency attached by ClinVar (database versions not stated): TOPMed below 0.00001; gnomAD exomes 0.00001.
gnomAD v4.1: 5 of 1,613,194 alleles (0.00031%); highest among the groups gnomAD compares: Non-Finnish European, 0.00042%; no homozygotes.

Submission:

Labcorp Genetics (formerly Invitae), Labcorp
Classification: Uncertain significance for Early-infantile DEE. Last evaluated: 2023-06-13. Review status: criteria provided, single submitter. Criteria: Invitae Variant Classification Sherloc (09022015). Collection method: clinical testing. Allele origin: germline.
Comment: This variant has not been reported in the literature in individuals affected with KCNH5-related conditions. This sequence change falls in intron 9 of the KCNH5 gene. It does not directly change the encoded amino acid sequence of the KCNH5 protein. It affects a nucleotide within the consensus splice site. This variant is not present in population databases (gnomAD no frequency). ClinVar contains an entry for this variant (Variation ID: 1413725). Variants that disrupt the consensus splice site are a relatively common cause of aberrant splicing (PMID: 17576681, 9536098). Algorithms developed to predict the effect of sequence changes on RNA splicing suggest that this variant may disrupt the consensus splice site. In summary, the available evidence is currently insufficient to determine the role of this variant in disease. Therefore, it has been classified as a Variant of Uncertain Significance.

Literature cited by the submitters: PubMed 17576681; PubMed 9536098.

NM_139318.5(KCNH5):c.1822+3A>G

Gene: KCNH5 (potassium voltage-gated channel subfamily H member 5; minus strand). Cytogenetic location: 14q23.2.
Variant type: single nucleotide variant.
Coding change: c.1822+3A>G on transcript NM_139318.5 (MANE Select); 3 bases into the intron after coding-DNA position 1822, A replaced by G.
Molecular consequence: intron variant.
Genome position (GRCh38, 1-based): chr14:62,802,326, T>C on the plus strand (A>G on the coding strand, the complement: KCNH5 is on the minus strand). VCF-style: chr14-62802326-T-C. GRCh37 (hg19) VCF-style: chr14-63269044-T-C.
Other names: c.1822+3A>G (NM_172375.3).
Identifiers: ClinVar variation 1413725 (VCV001413725.7), dbSNP rs1886679041, ClinGen allele CA2141917135.